The following is an entry in ClinVar:

NM_000069.3(CACNA1S):c.488C>A (p.Ala163Asp)

Gene: CACNA1S (calcium voltage-gated channel subunit alpha1 S; minus strand). Cytogenetic location: 1q32.1.
Variant type: single nucleotide variant.
Coding change: c.488C>A on transcript NM_000069.3 (MANE Select); coding-DNA position 488, C replaced by A.
Protein change: p.Ala163Asp; replaces alanine 163 with aspartic acid.
Molecular consequence: missense variant.
Genome position (GRCh38, 1-based): chr1:201,092,025, G>T on the plus strand (C>A on the coding strand, the complement: CACNA1S is on the minus strand). VCF-style: chr1-201092025-G-T. GRCh37 (hg19) VCF-style: chr1-201061153-G-T.
Other names: short protein forms A163D.
Identifiers: ClinVar variation 4530765 (VCV004530765.1).

ClinVar aggregate classification (germline): Uncertain significance (1 of 4 stars; one submission).

Submission:

GeneDx
Classification: Uncertain significance. Last evaluated: 2025-05-23. Review status: criteria provided, single submitter. Criteria: GeneDx Variant Classification Process June 2021. Collection method: clinical testing. Allele origin: germline. Affected: yes.
Comment: Not observed at significant frequency in large population cohorts (gnomAD); In silico analysis supports that this missense variant has a deleterious effect on protein structure/function; Has not been previously published as pathogenic or benign to our knowledge